The following is an entry in ClinVar:

NM_022124.6(CDH23):c.2182A>G (p.Ile728Val)

Gene: CDH23 (cadherin related 23; plus strand). Cytogenetic location: 10q22.1.
Variant type: single nucleotide variant.
Coding change: c.2182A>G on transcript NM_022124.6 (MANE Select); coding-DNA position 2182, A replaced by G.
Protein change: p.Ile728Val; replaces isoleucine 728 with valine.
Molecular consequence: missense variant.
Genome position (GRCh38, 1-based): chr10:71,694,152, A>G. VCF-style: chr10-71694152-A-G. GRCh37 (hg19) VCF-style: chr10-73453909-A-G.
Other names: c.2182A>G, p.Ile728Val (NM_001171930.2, NM_001171931.2); short protein forms I728V.
Identifiers: ClinVar variation 842190 (VCV000842190.6), dbSNP rs1865286018, ClinGen allele CA377134561.
Genomic context (GRCh38, chr10:71,694,152, plus strand): 5'-CCTCTCTCCCTGGCCCACCCAAACCCTCTCACGCACCCACTTCTCTCTCTGGCAGGGGAA[A>G]TCACCACCACGTCTCTGCTTGACCGAGAGACCAAGTCTGAATACATCCTCATCGTTCGCG-3'
Protein context (NP_071407.4, residues 718-738): QFRINARSGE[Ile728Val]TTTSLLDRET

ClinVar aggregate classification (germline): Uncertain significance. Review status: criteria provided, single submitter (1 of 4 stars). 2 submissions from 2 submitters: Uncertain significance (1). 1 of the submissions does not count toward it. Last evaluated 2024-10-29.

Conditions:
Usher syndrome type 1 (USH1). Also called: RETINITIS PIGMENTOSA AND CONGENITAL DEAFNESS. Identifiers: Orphanet 231169, Orphanet 886, MedGen C1568247, MONDO:0010168, OMIM 276900.

Allele frequency attached by ClinVar (database versions not stated): gnomAD exomes below 0.00001; TOPMed 0.00001.
gnomAD v4.1: 5 of 1,613,544 alleles (0.00031%); highest among the groups gnomAD compares: African/African-American, 0.0067%; no homozygotes.

Submissions (2):

Labcorp Genetics (formerly Invitae), Labcorp
Classification: Uncertain significance. Last evaluated: 2024-10-29. Review status: criteria provided, single submitter. Criteria: Invitae Variant Classification Sherloc (09022015). Collection method: clinical testing. Allele origin: germline.
Comment: This sequence change replaces isoleucine, which is neutral and non-polar, with valine, which is neutral and non-polar, at codon 728 of the CDH23 protein (p.Ile728Val). This variant is not present in population databases (gnomAD no frequency). This variant has not been reported in the literature in individuals affected with CDH23-related conditions. ClinVar contains an entry for this variant (Variation ID: 842190). Invitae Evidence Modeling of protein sequence and biophysical properties (such as structural, functional, and spatial information, amino acid conservation, physicochemical variation, residue mobility, and thermodynamic stability) has been performed for this missense variant. However, the output from this modeling did not meet the statistical confidence thresholds required to predict the impact of this variant on CDH23 protein function. In summary, the available evidence is currently insufficient to determine the role of this variant in disease. Therefore, it has been classified as a Variant of Uncertain Significance.

Natera, Inc.
Classification: Uncertain significance for Usher syndrome type 1. Last evaluated: 2020-04-15. Review status: no assertion criteria provided. Collection method: clinical testing. Allele origin: germline. Not counted in ClinVar's aggregate classification.